The following is an entry in ClinVar:

ClinVar aggregate classification (germline): Uncertain significance (1 of 4 stars; one submission).

Allele frequency attached by ClinVar (database versions not stated): ExAC 0.00001; TOPMed 0.00001.
gnomAD v4.1: 6 of 1,614,222 alleles (0.00037%); highest among the groups gnomAD compares: Admixed American, 0.005%; no homozygotes.

Submission:

Labcorp Genetics (formerly Invitae), Labcorp
Classification: Uncertain significance. Last evaluated: 2024-10-28. Review status: criteria provided, single submitter. Criteria: Invitae Variant Classification Sherloc (09022015). Collection method: clinical testing. Allele origin: germline.
Comment: This sequence change replaces histidine, which is basic and polar, with arginine, which is basic and polar, at codon 98 of the ADAMTS18 protein (p.His98Arg). This variant is present in population databases (rs761060192, gnomAD 0.003%). This variant has not been reported in the literature in individuals affected with ADAMTS18-related conditions. ClinVar contains an entry for this variant (Variation ID: 1480930). An algorithm developed to predict the effect of missense changes on protein structure and function (PolyPhen-2) suggests that this variant is likely to be disruptive. In summary, the available evidence is currently insufficient to determine the role of this variant in disease. Therefore, it has been classified as a Variant of Uncertain Significance.

NM_199355.4(ADAMTS18):c.293A>G (p.His98Arg)

Gene: ADAMTS18 (ADAM metallopeptidase with thrombospondin type 1 motif 18; minus strand). Cytogenetic location: 16q23.1.
Variant type: single nucleotide variant.
Coding change: c.293A>G on transcript NM_199355.4 (MANE Select); coding-DNA position 293, A replaced by G.
Protein change: p.His98Arg; replaces histidine 98 with arginine.
Molecular consequence: missense variant. On other transcripts: 5 prime UTR variant (1).
Genome position (GRCh38, 1-based): chr16:77,431,497, T>C on the plus strand (A>G on the coding strand, the complement: ADAMTS18 is on the minus strand). VCF-style: chr16-77431497-T-C. GRCh37 (hg19) VCF-style: chr16-77465394-T-C.
Other names: c.-228A>G (NM_001326358.2); short protein forms H98R.
Identifiers: ClinVar variation 1480930 (VCV001480930.6), dbSNP rs761060192, ClinGen allele CA8181718.
Genomic context (GRCh38, chr16:77,431,497, plus strand): 5'-AAAATCGCCGAGGGCTTAAGTTCTAAGTGCAGTTCCTGTCCAAATGCTGAAAATCGGTAG[T>C]GCAGGGAGCTTCTGGCATTCTGCGCCGATCGCTTTTTCCTGCCGTTGTGCAAAATGTCGT-3'
Protein context (NP_955387.1, residues 88-108): RSAQNARSSL[His98Arg]YRFSAFGQEL